The following is an entry in ClinVar:

ClinVar aggregate classification (germline): Uncertain significance (1 of 4 stars; one submission).

Submission:

Labcorp Genetics (formerly Invitae), Labcorp
Classification: Uncertain significance. Last evaluated: 2025-10-24. Review status: criteria provided, single submitter. Criteria: Invitae Variant Classification Sherloc (09022015). Collection method: clinical testing. Allele origin: germline.
Comment: This sequence change replaces glycine, which is neutral and non-polar, with arginine, which is basic and polar, at codon 416 of the HPS1 protein (p.Gly416Arg). This variant is present in population databases (no rsID available, gnomAD 0.002%). This variant has not been reported in the literature in individuals affected with HPS1-related conditions. Invitae Evidence Modeling of protein sequence and biophysical properties (such as structural, functional, and spatial information, amino acid conservation, physicochemical variation, residue mobility, and thermodynamic stability) indicates that this missense variant is not expected to disrupt HPS1 protein function with a negative predictive value of 95%. In summary, the available evidence is currently insufficient to determine the role of this variant in disease. Therefore, it has been classified as a Variant of Uncertain Significance.

NM_000195.5(HPS1):c.1246G>A (p.Gly416Arg)

Gene: HPS1 (HPS1 biogenesis of lysosomal organelles complex 3 subunit 1; minus strand). Cytogenetic location: 10q24.2.
Variant type: single nucleotide variant.
Coding change: c.1246G>A on transcript NM_000195.5 (MANE Select); coding-DNA position 1246, G replaced by A.
Protein change: p.Gly416Arg; replaces glycine 416 with arginine.
Molecular consequence: missense variant.
Genome position (GRCh38, 1-based): chr10:98,425,630, C>T on the plus strand (G>A on the coding strand, the complement: HPS1 is on the minus strand). VCF-style: chr10-98425630-C-T. GRCh37 (hg19) VCF-style: chr10-100185387-C-T.
Other names: c.274G>A, p.Gly92Arg (NM_001311345.2, NM_001322487.2, NM_001322489.2); c.1246G>A, p.Gly416Arg (NM_001322476.2, NM_001322477.2); c.1147G>A, p.Gly383Arg (NM_001322478.2, NM_001322479.2); c.985G>A, p.Gly329Arg (NM_001322480.2, NM_001322481.2); c.886G>A, p.Gly296Arg (NM_001322482.2); c.877G>A, p.Gly293Arg (NM_001322483.2, NM_001322484.2); c.778G>A, p.Gly260Arg (NM_001322485.2); short protein forms G260R, G383R, G92R, G329R, G293R, G296R, G416R.
Identifiers: ClinVar variation 4754690 (VCV004754690.1).
Genomic context (GRCh38, chr10:98,425,630, plus strand): 5'-CAAACTTGTCCATCCTCTGGCGCAGGTCTCCCACGAGGGGCTGGGAGCGCAGGGAGGCCC[C>T]GGGCTCCGGCCCTTCCTTCAGCTTCTTCTCCAGCATGGAGAAGCCATCCATCAGCTGGGA-3'
Protein context (NP_000186.2, residues 406-426): EKKLKEGPEP[Gly416Arg]ASLRSQPLVG